The following is an entry in ClinVar:

ClinVar aggregate classification (germline): Pathogenic. Review status: criteria provided, multiple submitters, no conflicts (2 of 4 stars). 2 submissions from 2 submitters: Pathogenic (2). Last evaluated 2026-01-21.

Conditions:
Thrombophilia due to protein S deficiency, autosomal recessive (THPH6). Identifiers: Orphanet 743, MedGen C3281092, MONDO:0013791, OMIM 614514. Disease mechanism: loss of function.

Submissions (2):

Labcorp Genetics (formerly Invitae), Labcorp
Classification: Pathogenic for Thrombophilia due to protein S deficiency, autosomal recessive. Last evaluated: 2026-01-21. Review status: criteria provided, single submitter. Criteria: Invitae Variant Classification Sherloc (09022015). Collection method: clinical testing. Allele origin: germline.
Comment: This sequence change creates a premature translational stop signal (p.Gln34*) in the PROS1 gene. It is expected to result in an absent or disrupted protein product. Loss-of-function variants in PROS1 are known to be pathogenic (PMID: 9241758). This variant is not present in population databases (gnomAD no frequency). This premature translational stop signal has been observed in individual(s) with protein S deficiency (PMID: 22261441, 35231993). ClinVar contains an entry for this variant (Variation ID: 3380977). For these reasons, this variant has been classified as Pathogenic.

Mayo Clinic Laboratories, Mayo Clinic
Classification: Pathogenic. Last evaluated: 2024-08-20. Review status: criteria provided, single submitter. Criteria: ACMG Guidelines, 2015. Collection method: clinical testing. Allele origin: germline. Observed: 1 variant allele.
Comment: PM2, PS4_moderate, PVS1

Literature cited by the submitters: PubMed 9241758 (cited by Labcorp Genetics (formerly Invitae), Labcorp); PubMed 22261441 (cited by Labcorp Genetics (formerly Invitae), Labcorp and Mayo Clinic Laboratories, Mayo Clinic); PubMed 35231993 (cited by Labcorp Genetics (formerly Invitae), Labcorp and Mayo Clinic Laboratories, Mayo Clinic).

NM_000313.4(PROS1):c.100C>T (p.Gln34Ter)

Gene: PROS1 (protein S; minus strand). Cytogenetic location: 3q11.1.
Variant type: single nucleotide variant.
Coding change: c.100C>T on transcript NM_000313.4 (MANE Select); coding-DNA position 100, C replaced by T.
Protein change: p.Gln34Ter; replaces glutamine 34 with a stop codon.
Molecular consequence: nonsense.
Genome position (GRCh38, 1-based): chr3:93,927,384, G>A on the plus strand (C>T on the coding strand, the complement: PROS1 is on the minus strand). VCF-style: chr3-93927384-G-A. GRCh37 (hg19) VCF-style: chr3-93646228-G-A.
Other names: p.Gln34*; c.196C>T, p.Gln66Ter (NM_001314077.2); short protein forms Q34*, Q66*.
Identifiers: ClinVar variation 3380977 (VCV003380977.2).
Genomic context (GRCh38, chr3:93,927,384, plus strand): 5'-GATTACCCTGTTTGGTTTCTTCAAGTAAAGAATTTGCACGACGCTTCCTAACCAGGACTT[G>A]TGAAGCCTGTTGCTTTGACAAAACTGAAGGAAACAATCAGTTTATATGAATTAATCATTT-3'